The following is an entry in ClinVar:

NM_001083962.2(TCF4):c.923-1G>A

Gene: TCF4 (transcription factor 4; minus strand). Cytogenetic location: 18q21.2.
Variant type: single nucleotide variant.
Coding change: c.923-1G>A on transcript NM_001083962.2 (MANE Select); the canonical splice acceptor site of the intron before coding-DNA position 923, G replaced by A.
Molecular consequence: splice acceptor variant.
Genome position (GRCh38, 1-based): chr18:55,261,534, C>T on the plus strand (G>A on the coding strand, the complement: TCF4 is on the minus strand). VCF-style: chr18-55261534-C-T. GRCh37 (hg19) VCF-style: chr18-52928765-C-T.
Other names: c.1229-1G>A (NM_001243226.3); c.848-1G>A (NM_001369584.1, NM_001369576.1, NM_001369585.1 and 3 more transcripts); c.851-1G>A (NM_001369577.1, NM_001369582.1, NM_001243227.2 and 9 more transcripts); c.923-1G>A (NM_001369571.1, NM_001369567.1, NM_001369572.1 and 4 more transcripts); c.941-1G>A (NM_001243228.2); c.917-1G>A (NM_001243230.2); c.920-1G>A (NM_001369569.1, NM_001369573.1, NM_001369570.1); c.797-1G>A (NM_001243231.2, NM_001348211.2); and 4 more.
Identifiers: ClinVar variation 2036740 (VCV002036740.4), dbSNP rs2512296129, ClinGen allele CA402535305.

ClinVar aggregate classification (germline): Pathogenic (1 of 4 stars; one submission).

Conditions:
Pitt-Hopkins syndrome (PTHS). Also called: MENTAL RETARDATION, SYNDROMAL, WITH INTERMITTENT HYPERVENTILATION; ENCEPHALOPATHY, SEVERE EPILEPTIC, WITH AUTONOMIC DYSFUNCTION. Identifiers: Orphanet 2896, MedGen C1970431, MONDO:0012589, OMIM 610954.

Submission:

Labcorp Genetics (formerly Invitae), Labcorp
Classification: Pathogenic for Pitt-Hopkins syndrome. Last evaluated: 2022-10-25. Review status: criteria provided, single submitter. Criteria: Invitae Variant Classification Sherloc (09022015). Collection method: clinical testing. Allele origin: germline.
Comment: Disruption of this splice site has been observed in individual(s) with Pitt-Hopkins syndrome (PMID: 19235238). In at least one individual the variant was observed to be de novo. For these reasons, this variant has been classified as Pathogenic. Algorithms developed to predict the effect of sequence changes on RNA splicing suggest that this variant may disrupt the consensus splice site. This variant is not present in population databases (gnomAD no frequency). This sequence change affects an acceptor splice site in intron 11 of the TCF4 gene. It is expected to disrupt RNA splicing. Variants that disrupt the donor or acceptor splice site typically lead to a loss of protein function (PMID: 16199547), and loss-of-function variants in TCF4 are known to be pathogenic (PMID: 18728071, 22045651).

Literature cited by the submitters: PubMed 19235238; PubMed 16199547; PubMed 18728071; PubMed 22045651.